The following is an entry in ClinVar:

NC_000004.11:g.(?_5803694)_(5804872_?)del

Gene: EVC (EvC ciliary complex subunit 1; plus strand). Cytogenetic location: 4p16.2.
Variant type: Deletion.
Identifiers: ClinVar variation 3246642 (VCV003246642.1).

ClinVar aggregate classification (germline): Likely pathogenic (1 of 4 stars; one submission).

Conditions:
Ellis-van Creveld syndrome (EVC). Also called: MESOECTODERMAL DYSPLASIA; Chondroectodermal dysplasia; EVC-Related Ellis-van Creveld Syndrome; EVC2-Related Ellis-van Creveld Syndrome. Identifiers: Orphanet 289, MedGen C0013903, MONDO:0009162, OMIM 225500.
Curry-Hall syndrome (WAD). Also called: WEYERS ACRODENTAL DYSOSTOSIS. Identifiers: Orphanet 952, MedGen C0457013, MONDO:0008673, OMIM 193530.

Submission:

Labcorp Genetics (formerly Invitae), Labcorp
Classification: Likely pathogenic for Curry-Hall syndrome; Ellis-van Creveld syndrome. Last evaluated: 2023-05-03. Review status: criteria provided, single submitter. Criteria: Invitae Variant Classification Sherloc (09022015). Collection method: clinical testing. Allele origin: unknown.
Comment: In summary, the currently available evidence indicates that the variant is pathogenic, but additional data are needed to prove that conclusively. Therefore, this variant has been classified as Likely Pathogenic. This variant has not been reported in the literature in individuals affected with EVC-related conditions. This variant results in the deletion of part of exon 16 (c.2322_2449+1051delinsCTCAGTGAAATTAAG) of the EVC gene. It is expected to disrupt RNA splicing. Variants that disrupt the donor or acceptor splice site typically lead to a loss of protein function (PMID: 16199547), and loss-of-function variants in EVC are known to be pathogenic (PMID: 23220543).

Literature cited by the submitters: PubMed 16199547; PubMed 23220543.